The following is an entry in ClinVar:

ClinVar aggregate classification (germline): Likely benign (1 of 4 stars; one submission).

Submission:

CeGaT Center for Human Genetics Tuebingen
Classification: Likely benign. Last evaluated: 2023-12-01. Review status: criteria provided, single submitter. Criteria: CeGaT Center For Human Genetics Tuebingen Variant Classification Criteria Version 2. Collection method: clinical testing. Allele origin: germline. Affected: yes. Observed: 1 variant allele.
Comment: HERC2: PM2:Supporting, BP4, BP7

NM_004667.6(HERC2):c.144T>C (p.Thr48=)

Gene: HERC2 (HECT and RLD domain containing E3 ubiquitin protein ligase 2; minus strand). Cytogenetic location: 15q13.1.
Variant type: single nucleotide variant.
Coding change: c.144T>C on transcript NM_004667.6 (MANE Select); coding-DNA position 144, T replaced by C.
Protein change: p.Thr48=; no amino-acid change (threonine 48 retained).
Molecular consequence: synonymous variant.
Genome position (GRCh38, 1-based): chr15:28,299,445, A>G on the plus strand (T>C on the coding strand, the complement: HERC2 is on the minus strand). VCF-style: chr15-28299445-A-G. GRCh37 (hg19) VCF-style: chr15-28544591-A-G.
Identifiers: ClinVar variation 3026649 (VCV003026649.22), dbSNP rs2141195560, ClinGen allele CA488964265.